The following is an entry in ClinVar:

ClinVar aggregate classification (germline): Uncertain significance. Review status: criteria provided, multiple submitters, no conflicts (2 of 4 stars). 2 submissions from 2 submitters: Uncertain significance (2). Last evaluated 2023-05-22.

Conditions:
Multiple congenital anomalies-hypotonia-seizures syndrome 1 (MCAHS1). Also called: GLYCOSYLPHOSPHATIDYLINOSITOL BIOSYNTHESIS DEFECT 3; PIGN-CDG; Congenital disorder of glycosylation due to PIGN deficiency. Identifiers: Orphanet 280633, MedGen C3279775, MONDO:0013563, OMIM 614080.
Inborn genetic diseases. Identifiers: MedGen C0950123, MeSH D030342.

Allele frequency attached by ClinVar (database versions not stated): gnomAD exomes below 0.00001 and 0.00001; ExAC 0.00001; gnomAD 0.00001; TOPMed 0.00001.
gnomAD v4.1: 11 of 1,601,740 alleles (0.00069%); highest among the groups gnomAD compares: African/African-American, 0.0013%; no homozygotes.

Submissions (2):

Ambry Genetics
Classification: Uncertain significance for Inborn genetic diseases. Last evaluated: 2023-05-22. Review status: criteria provided, single submitter. Criteria: Ambry Variant Classification Scheme 2023. Collection method: clinical testing. Allele origin: germline.

Labcorp Genetics (formerly Invitae), Labcorp
Classification: Uncertain significance for Multiple congenital anomalies-hypotonia-seizures syndrome 1. Last evaluated: 2022-05-05. Review status: criteria provided, single submitter. Criteria: Invitae Variant Classification Sherloc (09022015). Collection method: clinical testing. Allele origin: germline.
Comment: This sequence change replaces cysteine, which is neutral and slightly polar, with arginine, which is basic and polar, at codon 758 of the PIGN protein (p.Cys758Arg). The frequency data for this variant in the population databases is considered unreliable, as metrics indicate poor data quality at this position in the gnomAD database. This variant has not been reported in the literature in individuals affected with PIGN-related conditions. ClinVar contains an entry for this variant (Variation ID: 1060126). Algorithms developed to predict the effect of missense changes on protein structure and function (SIFT, PolyPhen-2, Align-GVGD) all suggest that this variant is likely to be tolerated. In summary, the available evidence is currently insufficient to determine the role of this variant in disease. Therefore, it has been classified as a Variant of Uncertain Significance.

NM_176787.5(PIGN):c.2272T>C (p.Cys758Arg)

Gene: PIGN (phosphatidylinositol glycan anchor biosynthesis class N; minus strand). Cytogenetic location: 18q21.33.
Variant type: single nucleotide variant.
Coding change: c.2272T>C on transcript NM_176787.5 (MANE Select); coding-DNA position 2272, T replaced by C.
Protein change: p.Cys758Arg; replaces cysteine 758 with arginine.
Molecular consequence: missense variant.
Genome position (GRCh38, 1-based): chr18:62,090,487, A>G on the plus strand (T>C on the coding strand, the complement: PIGN is on the minus strand). VCF-style: chr18-62090487-A-G. GRCh37 (hg19) VCF-style: chr18-59757720-A-G.
Other names: c.2272T>C, p.Cys758Arg (NM_012327.6); c.2272T>C (NM_176787.4); short protein forms C758R.
Identifiers: ClinVar variation 1060126 (VCV001060126.7), dbSNP rs755079390, ClinGen allele CA8982027.